The following is an entry in ClinVar:

NM_001365088.1(SLC12A6):c.3096_3097del (p.Ser1032_Asp1033insTer)

Gene: SLC12A6 (solute carrier family 12 member 6; minus strand). Cytogenetic location: 15q14.
Variant type: Deletion.
Coding change: c.3096_3097del on transcript NM_001365088.1 (MANE Select); coding-DNA positions 3096 to 3097, 2 bases deleted (TG; older notation c.3096_3097delTG).
Protein change: p.Ser1032_Asp1033insTer.
Molecular consequence: frameshift variant.
Genome position (GRCh38, 1-based): chr15:34,236,145-34,236,146, CA deleted on the plus strand (TG on the coding strand, the reverse complement: SLC12A6 is on the minus strand). VCF-style (leftmost placement, unchanged base first): chr15-34236144-TCA-T. GRCh37 (hg19) VCF-style: chr15-34528345-TCA-T.
Other names: c.2919_2920del, p.Ser973_Asp974insTer (NM_001042495.2, NM_001042494.2); c.3069_3070del, p.Ser1023_Asp1024insTer (NM_001042496.2); c.3051_3052del, p.Ser1017_Asp1018insTer (NM_001042497.2); c.2943_2944del, p.Ser981_Asp982insTer (NM_005135.2); c.3096_3097del, p.Ser1032_Asp1033insTer (NM_133647.2).
Identifiers: ClinVar variation 4292290 (VCV004292290.1).
Genomic context (GRCh38, chr15:34,236,144, plus strand): 5'-TTGTCTTTTGTCCAAGTCATGTGCACCTTCTCCTGATAGGTTTCTGTCTCTTCGTCCTCA[TCA>T]GAGCCAATGCTGGTCAATCGTAGCATTGAGTTTCGGTCTTTCACCAATTGTGCCTGAGGA-3'

ClinVar aggregate classification (germline): Pathogenic (1 of 4 stars; one submission).

Conditions:
Agenesis of the corpus callosum with peripheral neuropathy (ACCPN). Also called: POLYNEUROPATHY, SENSORIMOTOR, WITH OR WITHOUT AGENESIS OF THE CORPUS CALLOSUM; CHARLEVOIX DISEASE; HMSN/ACC; Hereditary Motor and Sensory Neuropathy with Agenesis of the Corpus Callosum. Identifiers: Orphanet 1496, MedGen C0795950, MONDO:0000902, OMIM 218000. Disease mechanism: loss of function.

Submission:

3billion
Classification: Pathogenic for Agenesis of the corpus callosum with peripheral neuropathy. Last evaluated: 2024-12-26. Review status: criteria provided, single submitter. Criteria: ACMG Guidelines, 2015. Collection method: clinical testing. Allele origin: germline. Affected: yes.
Comment: The variant is not observed in the gnomAD v4.1.0 dataset. Predicted Consequence/Location: Stop-gained (nonsense): predicted to result in a loss or disruption of normal protein function through nonsense-mediated decay (NMD) or protein truncation. Multiple pathogenic variants are reported downstream of the variant. Therefore, this variant is classified as Pathogenic according to the recommendation of ACMG/AMP guideline.